The following is an entry in ClinVar:

ClinVar aggregate classification (germline): Likely benign (1 of 4 stars; one submission).

Conditions:
Lymphatic malformation 4 (LMPHM4). Also called: Lymphedema, hereditary, ID. Identifiers: Orphanet 79452, MedGen C4747769, MONDO:0014393, OMIM 615907.

Submission:

Victorian Clinical Genetics Services, Murdoch Childrens Research Institute
Classification: Likely benign for Lymphatic malformation 4. Last evaluated: 2022-02-02. Review status: criteria provided, single submitter. Criteria: ACMG Guidelines, 2015. Collection method: clinical testing. Allele origin: germline. Inheritance: Autosomal dominant inheritance. Affected: yes.
Comment: Based on the classification scheme VCGS_Germline_v1.3.4, this variant is classified as Likely benign. Following criteria are met: 0102 - Loss of function is a known mechanism of disease in this gene and is associated with lymphatic malformation 4 (MIM#615907). (I) 0107 - This gene is associated with autosomal dominant disease. (I) 0200 - Variant is predicted to result in a missense amino acid change from aspartic acid to asparagine. (I) 0251 - This variant is heterozygous. (I) 0301 - Variant is absent from gnomAD (both v2 and v3). (SP) 0309 - An alternative amino acid change at the same position has been observed in gnomAD (v2) (1 heterozygote, 0 homozygotes). (I) 0502 - Missense variant with conflicting in silico predictions and uninformative conservation. (I) 0600 - Variant is located in the annotated C-terminal propeptide region (Uniprot, PMID: 30071673). (I) 0705 - No comparable missense variants have previous evidence for pathogenicity. (I) 0807 - This variant has no previous evidence of pathogenicity. (I) 0904 - Non-segregation of this variant with the phenotype under investigation has been clearly demonstrated. (SB) 1007 - No published functional evidence has been identified for this variant. (I) Legend: (SP) - Supporting pathogenic, (I) - Information, (SB) - Supporting benign

Literature cited by the submitters: PubMed 30071673.

NM_005429.5(VEGFC):c.781G>A (p.Asp261Asn)

Genes: HAFML (HuR (ELAVL1) associated fibroblast migratory lncRNA; plus strand), VEGFC (vascular endothelial growth factor C; minus strand). Cytogenetic location: 4q34.3.
Variant type: single nucleotide variant.
Coding change: c.781G>A on transcript NM_005429.5 (MANE Select); coding-DNA position 781, G replaced by A.
Protein change: p.Asp261Asn; replaces aspartic acid 261 with asparagine.
Molecular consequence: missense variant.
Genome position (GRCh38, 1-based): chr4:176,687,851, C>T on the plus strand (G>A on the coding strand, the complement: VEGFC is on the minus strand). VCF-style: chr4-176687851-C-T. GRCh37 (hg19) VCF-style: chr4-177609005-C-T.
Other names: short protein forms D261N.
Identifiers: ClinVar variation 1806219 (VCV001806219.1), dbSNP rs1219630611, ClinGen allele CA358824749.
Genomic context (GRCh38, chr4:176,687,851, plus strand): 5'-GTTTAGTCTTTAAAGCATCATTCTGCTTACCATCTCCAGCATCCGAGGAAAACATAAAAT[C>T]TTCCTGAGCCAGGCATCTGCAGATGTGATTATTCCACATGTAATTGGTGGGGCAGGTCTT-3'
Protein context (NP_005420.1, residues 251-271): NHICRCLAQE[Asp261Asn]FMFSSDAGDD